The following is an entry in ClinVar:

NM_014495.4(ANGPTL3):c.766A>G (p.Thr256Ala)

Genes: ANGPTL3 (angiopoietin like 3; plus strand), DOCK7 (dedicator of cytokinesis 7; minus strand). Cytogenetic location: 1p31.3.
Variant type: single nucleotide variant.
Coding change: c.766A>G on transcript NM_014495.4 (MANE Select); coding-DNA position 766, A replaced by G.
Protein change: p.Thr256Ala; replaces threonine 256 with alanine.
Molecular consequence: missense variant. On other transcripts: intron variant (7).
Genome position (GRCh38, 1-based): chr1:62,601,813, A>G. VCF-style: chr1-62601813-A-G. GRCh37 (hg19) VCF-style: chr1-63067484-A-G.
Other names: c.1683-15189T>C (NM_001272001.2, NM_001272000.2, NM_033407.4 and 4 more transcripts); c.766A>G (NM_014495.2); short protein forms T256A.
Identifiers: ClinVar variation 1518946 (VCV001518946.5), dbSNP rs200949988, ClinGen allele CA886682.

ClinVar aggregate classification (germline): Conflicting classifications of pathogenicity. Review status: criteria provided, conflicting classifications (1 of 4 stars). 3 submissions from 3 submitters: Uncertain significance (2); Likely benign (1). Last evaluated 2025-07-15.

Conditions:
Inborn genetic diseases. Identifiers: MedGen C0950123, MeSH D030342.

Allele frequency attached by ClinVar (database versions not stated): 1000 Genomes Project 30x 0.00016; gnomAD exomes 0.00016 and 0.00036; 1000 Genomes Project 0.00020; ExAC 0.00027; gnomAD 0.00031 and 0.00034; TOPMed 0.00040.
gnomAD v4.1: 297 of 1,610,290 alleles (0.018%); highest among the groups gnomAD compares: Middle Eastern, 0.2%; 1 homozygote.

Submissions (3):

Ambry Genetics
Classification: Likely benign for Inborn genetic diseases. Last evaluated: 2025-07-15. Review status: criteria provided, single submitter. Criteria: Ambry Variant Classification Scheme 2023. Collection method: clinical testing. Allele origin: germline.

Labcorp Genetics (formerly Invitae), Labcorp
Classification: Uncertain significance. Last evaluated: 2022-03-08. Review status: criteria provided, single submitter. Criteria: Invitae Variant Classification Sherloc (09022015). Collection method: clinical testing. Allele origin: germline.
Comment: This sequence change replaces threonine, which is neutral and polar, with alanine, which is neutral and non-polar, at codon 256 of the ANGPTL3 protein (p.Thr256Ala). This variant is present in population databases (rs200949988, gnomAD 0.2%). This variant has not been reported in the literature in individuals affected with ANGPTL3-related conditions. Algorithms developed to predict the effect of missense changes on protein structure and function output the following: SIFT: "Tolerated"; PolyPhen-2: "Benign"; Align-GVGD: "Class C0". The alanine amino acid residue is found in multiple mammalian species, which suggests that this missense change does not adversely affect protein function. In summary, the available evidence is currently insufficient to determine the role of this variant in disease. Therefore, it has been classified as a Variant of Uncertain Significance.

Breakthrough Genomics
Classification: Uncertain significance. Review status: criteria provided, single submitter. Criteria: ACMG Guidelines, 2015. Collection method: not provided. Allele origin: germline. Inheritance: Autosomal recessive inheritance. Affected: yes.